The following is an entry in ClinVar:

ClinVar aggregate classification (germline): Uncertain significance (1 of 4 stars; one submission).

Conditions:
Dilated cardiomyopathy 1AA (CMD1AA). Also called: CARDIOMYOPATHY, DILATED, 1AA, WITH OR WITHOUT LEFT VENTRICULAR NONCOMPACTION; CARDIOMYOPATHY, FAMILIAL HYPERTROPHIC, 23, WITH OR WITHOUT LEFT VENTRICULAR NONCOMPACTION; Cardiomyopathy, dilated, 1AA, with or without LVNC. Identifiers: Orphanet 154, MedGen C2677338, MONDO:0012808, OMIM 612158.
Primary familial hypertrophic cardiomyopathy (HCM). Identifiers: Orphanet 99739, MedGen C0949658, MeSH D024741, MONDO:0024573. Inheritance: Various modes of inheritance.

Allele frequency attached by ClinVar (database versions not stated): TOPMed below 0.00001; gnomAD exomes 0.00001.
gnomAD v4.1: 13 of 1,614,214 alleles (0.00081%); highest among the groups gnomAD compares: Non-Finnish European, 0.0011%; no homozygotes.

Submission:

Labcorp Genetics (formerly Invitae), Labcorp
Classification: Uncertain significance for Primary familial hypertrophic cardiomyopathy; Dilated cardiomyopathy 1AA. Last evaluated: 2024-08-01. Review status: criteria provided, single submitter. Criteria: Invitae Variant Classification Sherloc (09022015). Collection method: clinical testing. Allele origin: germline.
Comment: This sequence change replaces glutamic acid, which is acidic and polar, with lysine, which is basic and polar, at codon 379 of the ACTN2 protein (p.Glu379Lys). This variant is not present in population databases (gnomAD no frequency). This variant has not been reported in the literature in individuals affected with ACTN2-related conditions. ClinVar contains an entry for this variant (Variation ID: 836270). Advanced modeling of protein sequence and biophysical properties (such as structural, functional, and spatial information, amino acid conservation, physicochemical variation, residue mobility, and thermodynamic stability) performed at Invitae indicates that this missense variant is expected to disrupt ACTN2 protein function with a positive predictive value of 80%. In summary, the available evidence is currently insufficient to determine the role of this variant in disease. Therefore, it has been classified as a Variant of Uncertain Significance.

NM_001103.4(ACTN2):c.1135G>A (p.Glu379Lys)

Gene: ACTN2 (actinin alpha 2; plus strand). Cytogenetic location: 1q43.
Variant type: single nucleotide variant.
Coding change: c.1135G>A on transcript NM_001103.4 (MANE Select); coding-DNA position 1135, G replaced by A.
Protein change: p.Glu379Lys; replaces glutamic acid 379 with lysine.
Molecular consequence: missense variant.
Genome position (GRCh38, 1-based): chr1:236,742,923, G>A. VCF-style: chr1-236742923-G-A. GRCh37 (hg19) VCF-style: chr1-236906223-G-A.
Other names: c.1135G>A, p.Glu379Lys (NM_001278343.2); c.511G>A, p.Glu171Lys (NM_001278344.2); short protein forms E171K, E379K.
Identifiers: ClinVar variation 836270 (VCV000836270.6), dbSNP rs1659115252, ClinGen allele CA345382053.